The following is an entry in ClinVar:

ClinVar aggregate classification (germline): Pathogenic/Likely pathogenic. Review status: criteria provided, multiple submitters, no conflicts (2 of 4 stars). 5 submissions from 5 submitters: Pathogenic (3); Likely pathogenic (2). Last evaluated 2026-07-07.

Conditions:
Fetal anomalies with a likely genetic cause.
Pyknodysostosis. Also called: Pycnodysostosis. Identifiers: Orphanet 763, MedGen C0238402, MONDO:0009940, OMIM 265800.

Allele frequency attached by ClinVar (database versions not stated): gnomAD exomes below 0.00001; TOPMed below 0.00001; ExAC 0.00002.

Submissions (5):

Genetics Laboratory, Great Ormond Street Hospital NHS Foundation Trust, North Thames Genomic Laboratory Hub
Classification: Likely pathogenic for Fetal anomalies with a likely genetic cause. Last evaluated: 2026-07-07. Review status: criteria provided, single submitter. Criteria: ACGS Best Practice Guidelines for Variant Classification in Rare Disease 2024 v1.2. Collection method: clinical testing. Allele origin: germline. Affected: yes.
Comment: PM2_moderate, PP3_supporting, PM5_supporting, PS3_supporting, PM3_moderate

Clinical Biomedical Laboratory, Shriners Hospital For Children - Canada
Classification: Pathogenic for Pyknodysostosis. Last evaluated: 2025-10-05. Review status: criteria provided, single submitter. Criteria: ACMG Guidelines, 2015. Collection method: clinical testing. Allele origin: germline. Affected: yes.
Comment: This variant substitutes a glycine residue by a glutamic acid residue. This variant is very rare the Genome Aggregation Database (v2.1.1). This variant is described in the literature as a cause of pycnodysostosis (PMID 33945887). Functional studies show a damaging effect of this variant on CTSK function (PMID: 30199612).

Labcorp Genetics (formerly Invitae), Labcorp
Classification: Pathogenic. Last evaluated: 2025-10-01. Review status: criteria provided, single submitter. Criteria: Invitae Variant Classification Sherloc (09022015). Collection method: clinical testing. Allele origin: germline.
Comment: This sequence change replaces glycine, which is neutral and non-polar, with glutamic acid, which is acidic and polar, at codon 303 of the CTSK protein (p.Gly303Glu). This variant is present in population databases (rs756250449, gnomAD 0.01%). This missense change has been observed in individual(s) with pycnodysostosis (PMID: 21099701). It has also been observed to segregate with disease in related individuals. ClinVar contains an entry for this variant (Variation ID: 2202838). Invitae Evidence Modeling of protein sequence and biophysical properties (such as structural, functional, and spatial information, amino acid conservation, physicochemical variation, residue mobility, and thermodynamic stability) indicates that this missense variant is expected to disrupt CTSK protein function with a positive predictive value of 80%. Experimental studies have shown that this missense change affects CTSK function (PMID: 30199612). This variant disrupts the p.Gly303 amino acid residue in CTSK. Other variant(s) that disrupt this residue have been observed in individuals with CTSK-related conditions (PMID: 21099701, 33945887), which suggests that this may be a clinically significant amino acid residue. For these reasons, this variant has been classified as Pathogenic.

Natera, Inc.
Classification: Likely pathogenic for Pyknodysostosis. Last evaluated: 2025-05-18. Review status: criteria provided, single submitter. Criteria: Natera Variant Classification Schema (03/2026). Collection method: clinical testing. Allele origin: germline.
Comment: The c.908G>A variant in CTSK is a missense variant predicted to cause substitution of glycine to glutamic acid at amino acid 303. This variant is rare in the general population with a frequency below the threshold expected for the associated phenotype(s). This variant has been observed in one or more individuals affected with the associated recessive disease, as either homozygous or compound heterozygous with a second variant (PMID: 21099701). Additionally, this variant has been observed to segregate in affected family members (PMID: 21099701). This variant has been identified in one or more affected individuals with a phenotype highly consistent with the associated gene (PMID: 21099701). Computational prediction algorithms indicate this variant is likely to affect gene or protein function. Given the available evidence, this variant is classified as Likely Pathogenic.

Women's Health and Genetics/Laboratory Corporation of America, LabCorp
Classification: Pathogenic for Pyknodysostosis. Last evaluated: 2024-12-17. Review status: criteria provided, single submitter. Criteria: LabCorp Variant Classification Summary - May 2015. Collection method: clinical testing. Allele origin: germline.
Comment: Variant summary: CTSK c.908G>A (p.Gly303Glu) results in a non-conservative amino acid change in the encoded protein sequence. Five of five in-silico tools predict a damaging effect of the variant on protein function. The variant allele was found at a frequency of 2e-05 in 251410 control chromosomes (gnomAD). c.908G>A has been reported in the literature in homozygous individuals affected with Pyknodysostosis (Tora-Lopez_2011). These data indicate that the variant is very likely to be associated with disease. The following publication has been ascertained in the context of this evaluation (PMID: 21099701). ClinVar contains an entry for this variant (Variation ID: 2202838). Based on the evidence outlined above, the variant was classified as pathogenic.

Literature cited by the submitters: PubMed 8703060 (cited by Clinical Biomedical Laboratory, Shriners Hospital For Children - Canada); PubMed 33945887 (cited by Clinical Biomedical Laboratory, Shriners Hospital For Children - Canada and Labcorp Genetics (formerly Invitae), Labcorp); PubMed 30199612 (cited by Clinical Biomedical Laboratory, Shriners Hospital For Children - Canada and Labcorp Genetics (formerly Invitae), Labcorp); PubMed 21099701 (cited by 3 submitters).

NM_000396.4(CTSK):c.908G>A (p.Gly303Glu)

Gene: CTSK (cathepsin K; minus strand). Cytogenetic location: 1q21.3.
Variant type: single nucleotide variant.
Coding change: c.908G>A on transcript NM_000396.4 (MANE Select); coding-DNA position 908, G replaced by A.
Protein change: p.Gly303Glu; replaces glycine 303 with glutamic acid.
Molecular consequence: missense variant.
Genome position (GRCh38, 1-based): chr1:150,796,881, C>T on the plus strand (G>A on the coding strand, the complement: CTSK is on the minus strand). VCF-style: chr1-150796881-C-T. GRCh37 (hg19) VCF-style: chr1-150769357-C-T.
Other names: c.908G>A (NM_000396.3); short protein forms G303E.
Identifiers: ClinVar variation 2202838 (VCV002202838.8), dbSNP rs756250449, ClinGen allele CA1080394.